The following is an entry in ClinVar:

NM_000168.6(GLI3):c.2623del (p.Arg875fs)

Gene: GLI3 (GLI family zinc finger 3; minus strand). Cytogenetic location: 7p14.1.
Variant type: Deletion.
Coding change: c.2623del on transcript NM_000168.6 (MANE Select); coding-DNA position 2623, one base deleted (C; older notation c.2623delC).
Protein change: p.Arg875fs; shifts the reading frame from arginine 875.
Molecular consequence: frameshift variant.
Genome position (GRCh38, 1-based): chr7:41,966,450, G deleted on the plus strand (C on the coding strand, the reverse complement: GLI3 is on the minus strand); the first of 2 consecutive G bases (chr7:41,966,450-41,966,451); deleting either gives the same sequence. VCF-style (leftmost placement, unchanged base first): chr7-41966449-CG-C. GRCh37 (hg19) VCF-style: chr7-42006047-CG-C.
Other names: short protein forms R875fs.
Identifiers: ClinVar variation 2952476 (VCV002952476.3), dbSNP rs2484380642, ClinGen allele CA2740097349.

ClinVar aggregate classification (germline): Pathogenic (1 of 4 stars; one submission).

Conditions:
Greig cephalopolysyndactyly syndrome (GCPS). Also called: GLI3-Related Greig Cephalopolysyndactyly Syndrome; POLYSYNDACTYLY WITH PECULIAR SKULL SHAPE; Greig syndrome. Identifiers: Orphanet 380, MedGen C0265306, MONDO:0008287, OMIM 175700.
Pallister-Hall syndrome (PHS). Also called: GLI3-Related Pallister-Hall Syndrome; HYPOTHALAMIC HAMARTOBLASTOMA, HYPOPITUITARISM, IMPERFORATE ANUS, AND POSTAXIAL POLYDACTYLY. Identifiers: Orphanet 672, MedGen C0265220, MONDO:0007804, OMIM 146510.

Submission:

Labcorp Genetics (formerly Invitae), Labcorp
Classification: Pathogenic for Pallister-Hall syndrome; Greig cephalopolysyndactyly syndrome. Last evaluated: 2023-10-04. Review status: criteria provided, single submitter. Criteria: Invitae Variant Classification Sherloc (09022015). Collection method: clinical testing. Allele origin: germline.
Comment: This sequence change creates a premature translational stop signal (p.Arg875Alafs*15) in the GLI3 gene. While this is not anticipated to result in nonsense mediated decay, it is expected to disrupt the last 706 amino acid(s) of the GLI3 protein. This variant is not present in population databases (gnomAD no frequency). This variant has not been reported in the literature in individuals affected with GLI3-related conditions. This variant disrupts a region of the GLI3 protein in which other variant(s) (p.Thr1488Lysfs*23) have been determined to be pathogenic (PMID: 24736735). This suggests that this is a clinically significant region of the protein, and that variants that disrupt it are likely to be disease-causing. For these reasons, this variant has been classified as Pathogenic.

Literature cited by the submitters: PubMed 24736735.